The following is an entry in ClinVar:

NM_145199.3(LIPT1):c.1A>T (p.Met1Leu)

Genes: LIPT1 (lipoyltransferase 1; plus strand), MITD1 (microtubule interacting and trafficking domain containing 1; minus strand). Cytogenetic location: 2q11.2.
Variant type: single nucleotide variant.
Coding change: c.1A>T on transcript NM_145199.3 (MANE Select); coding-DNA position 1, A replaced by T.
Protein change: p.Met1Leu; changes the start codon (methionine 1).
Molecular consequence: missense variant, initiator codon variant. On other transcripts: non-coding transcript variant (2).
Genome position (GRCh38, 1-based): chr2:99,161,958, A>T. VCF-style: chr2-99161958-A-T. GRCh37 (hg19) VCF-style: chr2-99778421-A-T.
Other names: c.1A>T, p.Met1Leu (NM_001204830.2, NM_015929.4, NM_145197.3 and 1 more transcripts); short protein forms M1L.
Identifiers: ClinVar variation 1529592 (VCV001529592.32), dbSNP rs546009751, ClinGen allele CA1797266.

ClinVar aggregate classification (germline): Benign/Likely benign. Review status: criteria provided, multiple submitters, no conflicts (2 of 4 stars). 3 submissions from 3 submitters: Benign (1); Likely benign (1). 1 of the submissions does not count toward it. Last evaluated 2025-12-01.

Conditions:
LIPT1-related disorder. Also called: LIPT1-related condition.

Allele frequency attached by ClinVar (database versions not stated): TOPMed 0.00004; gnomAD 0.00010; gnomAD exomes 0.00030 and 0.00056; ExAC 0.00072; 1000 Genomes Project 30x 0.00094; 1000 Genomes Project 0.00120.
gnomAD v4.1: 448 of 1,588,848 alleles (0.028%); highest among the groups gnomAD compares: South Asian, 0.48%; 9 homozygotes.

Submissions (3):

Labcorp Genetics (formerly Invitae), Labcorp
Classification: Benign. Last evaluated: 2025-12-01. Review status: criteria provided, single submitter. Criteria: Invitae Variant Classification Sherloc (09022015). Collection method: clinical testing. Allele origin: germline.

CeGaT Center for Human Genetics Tuebingen
Classification: Likely benign. Last evaluated: 2022-12-01. Review status: criteria provided, single submitter. Criteria: CeGaT Center For Human Genetics Tuebingen Variant Classification Criteria Version 2. Collection method: clinical testing. Allele origin: germline. Affected: yes. Observed: 1 variant allele.
Comment: LIPT1: BS2

PreventionGenetics, part of Exact Sciences
Classification: Likely benign for LIPT1-related condition. Last evaluated: 2024-03-19. Review status: no assertion criteria provided. Collection method: clinical testing. Allele origin: germline. Not counted in ClinVar's aggregate classification.
Comment: This variant is classified as likely benign based on ACMG/AMP sequence variant interpretation guidelines (Richards et al. 2015 PMID: 25741868, with internal and published modifications).